The following is an entry in ClinVar:

NM_004525.3(LRP2):c.6978dup (p.Thr2327fs)

Gene: LRP2 (LDL receptor related protein 2; minus strand). Cytogenetic location: 2q31.1.
Variant type: Duplication.
Coding change: c.6978dup on transcript NM_004525.3 (MANE Select); coding-DNA position 6978, one base duplicated (G; older notation c.6978dupG).
Protein change: p.Thr2327fs; shifts the reading frame from threonine 2327.
Molecular consequence: frameshift variant.
Genome position (GRCh38, 1-based): chr2:169,206,742, C duplicated on the plus strand (G on the coding strand, the reverse complement: LRP2 is on the minus strand). VCF-style (leftmost placement, unchanged base first): chr2-169206741-T-TC. GRCh37 (hg19) VCF-style: chr2-170063251-T-TC.
Other names: short protein forms T2327fs.
Identifiers: ClinVar variation 817484 (VCV000817484.1), dbSNP rs1574132879, ClinGen allele CA915942136.

ClinVar aggregate classification (germline): Pathogenic (1 of 4 stars; one submission).

Submission:

GeneDx
Classification: Pathogenic. Last evaluated: 2019-02-25. Review status: criteria provided, single submitter. Criteria: GeneDx Variant Classification (06012015). Collection method: clinical testing. Allele origin: germline. Affected: yes.
Comment: The c.6978dupG variant in the LRP2 gene has not been reported previously as a pathogenic variant nor as a benign variant, to our knowledge. The c.6978dupG variant causes a frameshift starting with codon Threonine 2327, changes this amino acid to an Aspartic acid residue, and creates a premature Stop codon at position 4 of the new reading frame, denoted p.T2327DfsX4. This variant is predicted to cause loss of normal protein function either through protein truncation or nonsense-mediated mRNA decay. The c.6978dupG variant is not observed in large population cohorts (Lek et al., 2016). We interpret c.6978dupG as a pathogenic variant.